The following is an entry in ClinVar:

ClinVar aggregate classification (germline): Uncertain significance (1 of 4 stars; one submission).

Conditions:
Glucose-6-phosphate transport defect (GSD1B). Also called: Glycogen Storage Disease Type Ib; GSD Ib. Identifiers: Orphanet 364, Orphanet 79259, MedGen C0268146, MONDO:0009288, OMIM 232220.

Submission:

Labcorp Genetics (formerly Invitae), Labcorp
Classification: Uncertain significance for Glucose-6-phosphate transport defect. Last evaluated: 2025-07-13. Review status: criteria provided, single submitter. Criteria: Invitae Variant Classification Sherloc (09022015). Collection method: clinical testing. Allele origin: germline.
Comment: This sequence change replaces threonine, which is neutral and polar, with methionine, which is neutral and non-polar, at codon 408 of the SLC37A4 protein (p.Thr408Met). This variant is not present in population databases (gnomAD no frequency). This variant has not been reported in the literature in individuals affected with SLC37A4-related conditions. Invitae Evidence Modeling of protein sequence and biophysical properties (such as structural, functional, and spatial information, amino acid conservation, physicochemical variation, residue mobility, and thermodynamic stability) indicates that this missense variant is not expected to disrupt SLC37A4 protein function with a negative predictive value of 80%. In summary, the available evidence is currently insufficient to determine the role of this variant in disease. Therefore, it has been classified as a Variant of Uncertain Significance.

NM_001164277.2(SLC37A4):c.1223C>T (p.Thr408Met)

Gene: SLC37A4 (solute carrier family 37 member 4; minus strand). Cytogenetic location: 11q23.3.
Variant type: single nucleotide variant.
Coding change: c.1223C>T on transcript NM_001164277.2 (MANE Select); coding-DNA position 1223, C replaced by T.
Protein change: p.Thr408Met; replaces threonine 408 with methionine.
Molecular consequence: missense variant.
Genome position (GRCh38, 1-based): chr11:119,024,977, G>A on the plus strand (C>T on the coding strand, the complement: SLC37A4 is on the minus strand). VCF-style: chr11-119024977-G-A. GRCh37 (hg19) VCF-style: chr11-118895687-G-A.
Other names: c.1289C>T, p.Thr430Met (NM_001164278.2); c.1004C>T, p.Thr335Met (NM_001164279.2); c.1223C>T, p.Thr408Met (NM_001164280.2, NM_001467.6); short protein forms T335M, T408M, T430M.
Identifiers: ClinVar variation 4695374 (VCV004695374.1).